The following is an entry in ClinVar:

NM_001128840.3(CACNA1D):c.6065dup (p.Ser2022fs)

Gene: CACNA1D (calcium voltage-gated channel subunit alpha1 D; plus strand). Cytogenetic location: 3p21.1.
Variant type: Duplication.
Coding change: c.6065dup on transcript NM_001128840.3 (MANE Select); coding-DNA position 6065, one base duplicated (G; older notation c.6065dupG).
Protein change: p.Ser2022fs; shifts the reading frame from serine 2022.
Molecular consequence: frameshift variant.
Genome position (GRCh38, 1-based): chr3:53,810,171, G duplicated. VCF-style (leftmost placement, unchanged base first): chr3-53810170-A-AG. GRCh37 (hg19) VCF-style: chr3-53844197-A-AG.
Other names: c.6125dup, p.Ser2042fs (NM_000720.4); c.5993dup, p.Ser1998fs (NM_001128839.3); short protein forms S1998fs, S2042fs, S2022fs.
Identifiers: ClinVar variation 1963961 (VCV001963961.5), dbSNP rs1292226911, ClinGen allele CA543530597.

ClinVar aggregate classification (germline): Uncertain significance (1 of 4 stars; one submission).

Allele frequency attached by ClinVar (database versions not stated): gnomAD exomes below 0.00001.

Submission:

Labcorp Genetics (formerly Invitae), Labcorp
Classification: Uncertain significance. Last evaluated: 2022-03-02. Review status: criteria provided, single submitter. Criteria: Invitae Variant Classification Sherloc (09022015). Collection method: clinical testing. Allele origin: germline.
Comment: In summary, the available evidence is currently insufficient to determine the role of this variant in disease. Therefore, it has been classified as a Variant of Uncertain Significance. Algorithms developed to predict the effect of sequence changes on RNA splicing suggest that this variant may create or strengthen a splice site. This variant has not been reported in the literature in individuals affected with CACNA1D-related conditions. This variant is present in population databases (no rsID available, gnomAD 0.003%). This sequence change creates a premature translational stop signal (p.Ser2042Argfs*69) in the CACNA1D gene. While this is not anticipated to result in nonsense mediated decay, it is expected to disrupt the last 140 amino acid(s) of the CACNA1D protein.